The following is an entry in ClinVar:

ClinVar aggregate classification (germline): Uncertain significance (1 of 4 stars; one submission).

Allele frequency attached by ClinVar (database versions not stated): TOPMed below 0.00001; gnomAD exomes 0.00001.
gnomAD v4.1: 14 of 1,588,836 alleles (0.00088%); highest among the groups gnomAD compares: African/African-American, 0.0013%; no homozygotes.

Submission:

Labcorp Genetics (formerly Invitae), Labcorp
Classification: Uncertain significance. Last evaluated: 2025-08-14. Review status: criteria provided, single submitter. Criteria: Invitae Variant Classification Sherloc (09022015). Collection method: clinical testing. Allele origin: germline.
Comment: This sequence change replaces glycine, which is neutral and non-polar, with alanine, which is neutral and non-polar, at codon 412 of the COL9A2 protein (p.Gly412Ala). This variant is present in population databases (no rsID available, gnomAD 0.005%). This variant has not been reported in the literature in individuals affected with COL9A2-related conditions. ClinVar contains an entry for this variant (Variation ID: 1386366). Invitae Evidence Modeling of protein sequence and biophysical properties (such as structural, functional, and spatial information, amino acid conservation, physicochemical variation, residue mobility, and thermodynamic stability) indicates that this missense variant is expected to disrupt COL9A2 protein function with a positive predictive value of 95%. In summary, the available evidence is currently insufficient to determine the role of this variant in disease. Therefore, it has been classified as a Variant of Uncertain Significance.

NM_001852.4(COL9A2):c.1235G>C (p.Gly412Ala)

Gene: COL9A2 (collagen type IX alpha 2 chain; minus strand). Cytogenetic location: 1p34.2.
Variant type: single nucleotide variant.
Coding change: c.1235G>C on transcript NM_001852.4 (MANE Select); coding-DNA position 1235, G replaced by C.
Protein change: p.Gly412Ala; replaces glycine 412 with alanine.
Molecular consequence: missense variant.
Genome position (GRCh38, 1-based): chr1:40,304,372, C>G on the plus strand (G>C on the coding strand, the complement: COL9A2 is on the minus strand). VCF-style: chr1-40304372-C-G. GRCh37 (hg19) VCF-style: chr1-40770044-C-G.
Other names: short protein forms G412A.
Identifiers: ClinVar variation 1386366 (VCV001386366.6), dbSNP rs1011496660, ClinGen allele CA21041341.